The following is an entry in ClinVar:

NM_021813.4(BACH2):c.1074T>A (p.Ser358Arg)

Gene: BACH2 (BACH transcriptional regulator 2; minus strand). Cytogenetic location: 6q15.
Variant type: single nucleotide variant.
Coding change: c.1074T>A on transcript NM_021813.4 (MANE Select); coding-DNA position 1074, T replaced by A.
Protein change: p.Ser358Arg; replaces serine 358 with arginine.
Molecular consequence: missense variant.
Genome position (GRCh38, 1-based): chr6:89,951,032, A>T on the plus strand (T>A on the coding strand, the complement: BACH2 is on the minus strand). VCF-style: chr6-89951032-A-T. GRCh37 (hg19) VCF-style: chr6-90660751-A-T.
Other names: c.1074T>A, p.Ser358Arg (NM_001170794.2); short protein forms S358R.
Identifiers: ClinVar variation 2096648 (VCV002096648.4), dbSNP rs2533566442, ClinGen allele CA365071625.

ClinVar aggregate classification (germline): Uncertain significance (1 of 4 stars; one submission).

Submission:

Labcorp Genetics (formerly Invitae), Labcorp
Classification: Uncertain significance. Last evaluated: 2024-05-14. Review status: criteria provided, single submitter. Criteria: Invitae Variant Classification Sherloc (09022015). Collection method: clinical testing. Allele origin: germline.
Comment: This sequence change replaces serine, which is neutral and polar, with arginine, which is basic and polar, at codon 358 of the BACH2 protein (p.Ser358Arg). This variant is not present in population databases (gnomAD no frequency). This variant has not been reported in the literature in individuals affected with BACH2-related conditions. ClinVar contains an entry for this variant (Variation ID: 2096648). Advanced modeling of protein sequence and biophysical properties (such as structural, functional, and spatial information, amino acid conservation, physicochemical variation, residue mobility, and thermodynamic stability) performed at Invitae indicates that this missense variant is not expected to disrupt BACH2 protein function with a negative predictive value of 80%. In summary, the available evidence is currently insufficient to determine the role of this variant in disease. Therefore, it has been classified as a Variant of Uncertain Significance.